The following is an entry in ClinVar:

NM_005477.3(HCN4):c.2017G>A (p.Val673Met)

Gene: HCN4 (hyperpolarization activated cyclic nucleotide gated potassium channel 4; minus strand). Cytogenetic location: 15q24.1.
Variant type: single nucleotide variant.
Coding change: c.2017G>A on transcript NM_005477.3 (MANE Select); coding-DNA position 2017, G replaced by A.
Protein change: p.Val673Met; replaces valine 673 with methionine.
Molecular consequence: missense variant.
Genome position (GRCh38, 1-based): chr15:73,324,215, C>T on the plus strand (G>A on the coding strand, the complement: HCN4 is on the minus strand). VCF-style: chr15-73324215-C-T. GRCh37 (hg19) VCF-style: chr15-73616556-C-T.
Other names: short protein forms V673M.
Identifiers: ClinVar variation 519388 (VCV000519388.13), dbSNP rs1337923566, ClinGen allele CA393090306.

ClinVar aggregate classification (germline): Uncertain significance. Review status: criteria provided, multiple submitters, no conflicts (2 of 4 stars). 2 submissions from 2 submitters: Uncertain significance (2). Last evaluated 2025-10-20.

Conditions:
Cardiovascular phenotype. Identifiers: MedGen CN230736.
Brugada syndrome 8 (BRGDA8). Identifiers: Orphanet 130, MedGen C2751083, MONDO:0013148, OMIM 613123.

Allele frequency attached by ClinVar (database versions not stated): gnomAD exomes below 0.00001.
gnomAD v4.1: 3 of 1,614,064 alleles (0.00019%); highest among the groups gnomAD compares: Non-Finnish European, 0.000085%; no homozygotes.

Submissions (2):

Labcorp Genetics (formerly Invitae), Labcorp
Classification: Uncertain significance for Brugada syndrome 8. Last evaluated: 2025-10-20. Review status: criteria provided, single submitter. Criteria: Invitae Variant Classification Sherloc (09022015). Collection method: clinical testing. Allele origin: germline.
Comment: This sequence change replaces valine, which is neutral and non-polar, with methionine, which is neutral and non-polar, at codon 673 of the HCN4 protein (p.Val673Met). This variant is present in population databases (no rsID available, gnomAD 0.009%). This variant has not been reported in the literature in individuals affected with HCN4-related conditions. ClinVar contains an entry for this variant (Variation ID: 519388). Invitae Evidence Modeling of protein sequence and biophysical properties (such as structural, functional, and spatial information, amino acid conservation, physicochemical variation, residue mobility, and thermodynamic stability) indicates that this missense variant is expected to disrupt HCN4 protein function with a positive predictive value of 95%. In summary, the available evidence is currently insufficient to determine the role of this variant in disease. Therefore, it has been classified as a Variant of Uncertain Significance.

Ambry Genetics
Classification: Uncertain significance for Cardiovascular phenotype. Last evaluated: 2025-05-05. Review status: criteria provided, single submitter. Criteria: Ambry Variant Classification Scheme 2023. Collection method: clinical testing. Allele origin: germline.
Comment: The p.V673M variant (also known as c.2017G>A), located in coding exon 7 of the HCN4 gene, results from a G to A substitution at nucleotide position 2017. The valine at codon 673 is replaced by methionine, an amino acid with highly similar properties. This amino acid position is highly conserved in available vertebrate species. In addition, this alteration is predicted to be deleterious by in silico analysis. Since supporting evidence is limited at this time, the clinical significance of this alteration remains unclear.